The following is an entry in ClinVar:

ClinVar aggregate classification (germline): Uncertain significance. Review status: criteria provided, multiple submitters, no conflicts (2 of 4 stars). 2 submissions from 2 submitters: Uncertain significance (2). Last evaluated 2025-11-08.

Conditions:
Inborn genetic diseases. Identifiers: MedGen C0950123, MeSH D030342.
Joubert syndrome 21 (JBTS21). Identifiers: MedGen C3810212, MONDO:0014288, OMIM 615636.

Allele frequency attached by ClinVar (database versions not stated): gnomAD 0.00004; gnomAD exomes 0.00001; TOPMed 0.00003.
gnomAD v4.1: 40 of 1,543,412 alleles (0.0026%); highest among the groups gnomAD compares: African/African-American, 0.022%; 1 homozygote.

Submissions (2):

Ambry Genetics
Classification: Uncertain significance for Inborn genetic diseases. Last evaluated: 2025-11-08. Review status: criteria provided, single submitter. Criteria: Ambry Variant Classification Scheme 2023. Collection method: clinical testing. Allele origin: germline.

Labcorp Genetics (formerly Invitae), Labcorp
Classification: Uncertain significance for Joubert syndrome 21. Last evaluated: 2022-11-01. Review status: criteria provided, single submitter. Criteria: Invitae Variant Classification Sherloc (09022015). Collection method: clinical testing. Allele origin: germline.
Comment: In summary, the available evidence is currently insufficient to determine the role of this variant in disease. Therefore, it has been classified as a Variant of Uncertain Significance. Algorithms developed to predict the effect of missense changes on protein structure and function output the following: SIFT: "Tolerated"; PolyPhen-2: "Benign"; Align-GVGD: "Class C0". The asparagine amino acid residue is found in multiple mammalian species, which suggests that this missense change does not adversely affect protein function. ClinVar contains an entry for this variant (Variation ID: 864090). This variant has not been reported in the literature in individuals affected with CSPP1-related conditions. This variant is present in population databases (rs113092257, gnomAD 0.01%). This sequence change replaces aspartic acid, which is acidic and polar, with asparagine, which is neutral and polar, at codon 316 of the CSPP1 protein (p.Asp316Asn).

NM_001382391.1(CSPP1):c.919G>A (p.Asp307Asn)

Gene: CSPP1 (centrosome and spindle pole associated protein 1; plus strand). Cytogenetic location: 8q13.1.
Variant type: single nucleotide variant.
Coding change: c.919G>A on transcript NM_001382391.1 (MANE Select); coding-DNA position 919, G replaced by A.
Protein change: p.Asp307Asn; replaces aspartic acid 307 with asparagine.
Molecular consequence: missense variant.
Genome position (GRCh38, 1-based): chr8:67,095,728, G>A. VCF-style: chr8-67095728-G-A. GRCh37 (hg19) VCF-style: chr8-68007963-G-A.
Other names: c.64G>A, p.Asp22Asn (NM_001291339.2); c.838G>A, p.Asp280Asn (NM_001363131.2, NM_001363133.2); c.919G>A, p.Asp307Asn (NM_001363132.2); c.1027G>A, p.Asp343Asn (NM_001364869.1); c.946G>A, p.Asp316Asn (NM_001364870.1, NM_024790.7); short protein forms D22N, D307N, D316N, D343N, D280N.
Identifiers: ClinVar variation 864090 (VCV000864090.7), dbSNP rs113092257, ClinGen allele CA178194002.